The following is an entry in ClinVar:

NM_000303.3(PMM2):c.251G>T (p.Arg84Ile)

Gene: PMM2 (phosphomannomutase 2; plus strand). Cytogenetic location: 16p13.2.
Variant type: single nucleotide variant.
Coding change: c.251G>T on transcript NM_000303.3 (MANE Select); coding-DNA position 251, G replaced by T.
Protein change: p.Arg84Ile; replaces arginine 84 with isoleucine.
Molecular consequence: missense variant.
Genome position (GRCh38, 1-based): chr16:8,804,839, G>T. VCF-style: chr16-8804839-G-T. GRCh37 (hg19) VCF-style: chr16-8898696-G-T.
Other names: short protein forms R84I.
Identifiers: ClinVar variation 4719068 (VCV004719068.1).

ClinVar aggregate classification (germline): Uncertain significance (1 of 4 stars; one submission).

Conditions:
PMM2-congenital disorder of glycosylation. Also called: Congenital disorder of glycosylation, type Ia; CDG Ia; JAEKEN SYNDROME; PHOSPHOMANNOMUTASE 2 DEFICIENCY; CARBOHYDRATE-DEFICIENT GLYCOPROTEIN SYNDROME, TYPE Ia; PMM2-CDG. Identifiers: Orphanet 79318, MedGen C0349653, MONDO:0008907, OMIM 212065.

Submission:

Labcorp Genetics (formerly Invitae), Labcorp
Classification: Uncertain significance for PMM2-congenital disorder of glycosylation. Last evaluated: 2025-11-05. Review status: criteria provided, single submitter. Criteria: Invitae Variant Classification Sherloc (09022015). Collection method: clinical testing. Allele origin: germline.
Comment: This sequence change replaces arginine, which is basic and polar, with isoleucine, which is neutral and non-polar, at codon 84 of the PMM2 protein (p.Arg84Ile). This variant is not present in population databases (gnomAD no frequency). This variant has not been reported in the literature in individuals affected with PMM2-related conditions. Invitae Evidence Modeling of protein sequence and biophysical properties (such as structural, functional, and spatial information, amino acid conservation, physicochemical variation, residue mobility, and thermodynamic stability) indicates that this missense variant is expected to disrupt PMM2 protein function with a positive predictive value of 80%. In summary, the available evidence is currently insufficient to determine the role of this variant in disease. Therefore, it has been classified as a Variant of Uncertain Significance.